The following is an entry in ClinVar:

NM_001267550.2(TTN):c.104450A>G (p.Glu34817Gly)

Genes: TTN (titin; minus strand), TTN-AS1 (TTN antisense RNA 1; plus strand). Cytogenetic location: 2q31.2.
Variant type: single nucleotide variant.
Coding change: c.104450A>G on transcript NM_001267550.2 (MANE Select); coding-DNA position 104450, A replaced by G.
Protein change: p.Glu34817Gly; replaces glutamic acid 34817 with glycine.
Molecular consequence: missense variant.
Genome position (GRCh38, 1-based): chr2:178,532,165, T>C on the plus strand (A>G on the coding strand, the complement: TTN is on the minus strand). VCF-style: chr2-178532165-T-C. GRCh37 (hg19) VCF-style: chr2-179396892-T-C.
Other names: c.99527A>G, p.Glu33176Gly (NM_001256850.1); c.77255A>G, p.Glu25752Gly (NM_003319.4); c.96746A>G, p.Glu32249Gly (NM_133378.4); c.77630A>G, p.Glu25877Gly (NM_133432.3); c.77831A>G, p.Glu25944Gly (NM_133437.4); short protein forms E25752G, E25877G, E25944G, E32249G, E33176G, E34817G.
Identifiers: ClinVar variation 2944710 (VCV002944710.3), dbSNP rs2468439859, ClinGen allele CA349411706.
Genomic context (GRCh38, chr2:178,532,165, plus strand): 5'-AGTAGTCTAGACGCAGATGAGGATGATTCTCTTTGAGCATGTTTTGAGATTTCGTATTCT[T>C]CCTCAATTTCTGTTATTTCTGTCACTTCTCTTTGTCGCCTTGATTTCTTTCTAGACTTTT-3'
Protein context (NP_001254479.2, residues 34807-34827): REVTEITEIE[Glu34817Gly]EYEISKHAQR

ClinVar aggregate classification (germline): Uncertain significance (1 of 4 stars; one submission).

Conditions:
Dilated cardiomyopathy 1G (CMD1G). Identifiers: Orphanet 154, MedGen C1858763, MONDO:0011400, OMIM 604145.
Autosomal recessive limb-girdle muscular dystrophy type 2J (LGMDR10). Also called: Limb-girdle muscular dystrophy, type 2J; MUSCULAR DYSTROPHY, LIMB-GIRDLE, AUTOSOMAL RECESSIVE 10. Identifiers: Orphanet 140922, MedGen C1837342, MONDO:0012127, OMIM 608807.

Submission:

Labcorp Genetics (formerly Invitae), Labcorp
Classification: Uncertain significance for Dilated cardiomyopathy 1G; Autosomal recessive limb-girdle muscular dystrophy type 2J. Last evaluated: 2024-04-08. Review status: criteria provided, single submitter. Criteria: Invitae Variant Classification Sherloc (09022015). Collection method: clinical testing. Allele origin: germline.
Comment: This sequence change replaces glutamic acid, which is acidic and polar, with glycine, which is neutral and non-polar, at codon 34817 of the TTN protein (p.Glu34817Gly). This variant is not present in population databases (gnomAD no frequency). This variant has not been reported in the literature in individuals affected with TTN-related conditions. Experimental studies and prediction algorithms are not available or were not evaluated, and the functional significance of this variant is currently unknown. This variant is located in the M band of TTN (PMID: 25589632). Non-truncating variants in this region may be relevant for neuromuscular disorders, but have not been definitively shown to cause cardiomyopathy (PMID: 23975875). In summary, the available evidence is currently insufficient to determine the role of this variant in disease. Therefore, it has been classified as a Variant of Uncertain Significance.

Literature cited by the submitters: PubMed 25589632; PubMed 23975875.